The following is an entry in ClinVar:

ClinVar aggregate classification (germline): Uncertain significance (0 of 4 stars; one submission).

Submission:

Diagnostics Centre, Carl Von Ossietzky University Oldenburg
Classification: Uncertain significance. Last evaluated: 2025-04-22. Review status: no assertion criteria provided. Collection method: clinical testing. Allele origin: germline. Affected: yes. Observed: 1 variant allele.
Comment: The duplication identified here is an approximately 1.4 Mb alteration on chromosome 11. A total of 9 genes are affected, of which CCDC73 and DCDC1 are only partially included. Duplications of comparable size and location have not been reported; however, cases involving smaller as well as substantially larger overlapping duplications have been described. Triplosensitivity is not an established disease mechanism for any of the affected genes, whereas haploinsufficiency has been described for WT1 and PAX6.One publication reported a de novo duplication in 11p13 in association with a syndromic case characterized by neonatal epilepsy, hypotonia, microcephaly, developmental delay, and ocular abnormalities (PMID: 21271670). In that report, particular attention was drawn to a possible involvement of PAX6.Variants in PAX6 are associated with various autosomal dominant ocular disorders, including nystagmus, coloboma, cataract, and aniridia. In addition, a subset of affected individuals has been reported to have mild microcephaly, a hypoplastic corpus callosum, and neurological abnormalities. In summary, this duplication is classified as a Variant of Uncertain Significance (VUS).

Literature cited by the submitters: PubMed 21271670.

GRCh38/hg38 11p13(chr11:31216746-32652420)x3

Genes: DCDC1 (doublecortin domain containing 1; minus strand), DNAJC24 (DnaJ heat shock protein family (Hsp40) member C24; plus strand), EIF3M (eukaryotic translation initiation factor 3 subunit M; plus strand), PAUPAR (PAX6 upstream antisense RNA; plus strand), WT1-AS (WT1 antisense RNA; plus strand) and 47 more. Cytogenetic location: 11p13.
Variant type: copy number gain.
Change: copy number 3 (three copies instead of two) of chr11:31,216,746-32,652,420 (1.44 Mb, GRCh38 coordinates, 1-based), cytogenetic band 11p13.
Identifiers: ClinVar variation 4886795 (VCV004886795.1).